The following is an entry in ClinVar:

NM_033305.3(VPS13A):c.6198delinsCTGAG (p.Lys2066delinsAsnTer)

Gene: VPS13A (vacuolar protein sorting 13 homolog A; plus strand). Cytogenetic location: 9q21.2.
Variant type: Indel.
Coding change: c.6198delinsCTGAG on transcript NM_033305.3 (MANE Select); coding-DNA position 6198, A replaced by CTGAG.
Protein change: p.Lys2066delinsAsnTer.
Molecular consequence: nonsense.
Genome position (GRCh38, 1-based): chr9:77,337,357, A replaced by CTGAG. VCF-style: chr9-77337357-A-CTGAG. GRCh37 (hg19) VCF-style: chr9-79952273-A-CTGAG.
Other names: c.6081delinsCTGAG, p.Lys2027delinsAsnTer (NM_001018037.2); c.6198delinsCTGAG, p.Lys2066delinsAsnTer (NM_001018038.3, NM_015186.4).
Identifiers: ClinVar variation 5010734 (VCV005010734.1).

ClinVar aggregate classification (germline): Pathogenic (1 of 4 stars; one submission).

Conditions:
VPS13A-related neurodegenerative disease. Also called: ACANTHOCYTOSIS WITH NEUROLOGIC DISORDER; LEVINE-CRITCHLEY SYNDROME; Choreoacanthocytosis; Chorea-acanthocytosis; Choreaacanthocytosis; VPS13A Disease. Identifiers: Orphanet 2388, MedGen C0393576, MONDO:0008695, OMIM 200150.

Submission:

Myriad Genetics, Inc.
Classification: Pathogenic for VPS13A-related neurodegenerative disease. Last evaluated: 2024-05-14. Review status: criteria provided, single submitter. Criteria: Myriad Autosomal Dominant, Autosomal Recessive and X-Linked Classification Criteria (2023). Collection method: clinical testing. Allele origin: unknown.
Comment: NM_033305.2(VPS13A):c.6198del1ins5(K2066Nfs*2) is expected to be pathogenic in the context of VPS13A disease. This variant is predicted to lead to an abnormal or absent protein product due to the creation of a premature termination codon in VPS13A, a gene where loss-of-function variants are known to be pathogenic. Please note: this variant was assessed in the context of healthy population screening.